The following is an entry in ClinVar:

ClinVar aggregate classification (germline): Pathogenic (1 of 4 stars; one submission).

Conditions:
Cardiovascular phenotype. Identifiers: MedGen CN230736.

Submission:

Ambry Genetics
Classification: Pathogenic for Cardiovascular phenotype. Last evaluated: 2025-09-22. Review status: criteria provided, single submitter. Criteria: Ambry Variant Classification Scheme 2023. Collection method: clinical testing. Allele origin: germline.
Comment: The c.7805T>A (p.L2602*) alteration, located in exon 24 (coding exon 24) of the DSP gene, consists of a T to A substitution at nucleotide position 7805. This changes the amino acid from a leucine (L) to a stop codon at amino acid position 2602. This variant is not expected to trigger nonsense-mediated mRNA decay, and impacts the last 9% of the protein. However, premature stop codons are typically deleterious in nature and the impacted region is critical for protein function (Ambry internal data). This variant was not reported in population-based cohorts in the Genome Aggregation Database (gnomAD). Based on the available evidence, this alteration is classified as pathogenic.

NM_004415.4(DSP):c.7805T>A (p.Leu2602Ter)

Gene: DSP (desmoplakin; plus strand). Cytogenetic location: 6p24.3.
Variant type: single nucleotide variant.
Coding change: c.7805T>A on transcript NM_004415.4 (MANE Select); coding-DNA position 7805, T replaced by A.
Protein change: p.Leu2602Ter; replaces leucine 2602 with a stop codon.
Molecular consequence: nonsense.
Genome position (GRCh38, 1-based): chr6:7,585,067, T>A. VCF-style: chr6-7585067-T-A. GRCh37 (hg19) VCF-style: chr6-7585300-T-A.
Other names: c.6008T>A, p.Leu2003Ter (NM_001008844.3); c.6476T>A, p.Leu2159Ter (NM_001319034.2); short protein forms L2602*, L2003*, L2159*.
Identifiers: ClinVar variation 4614058 (VCV004614058.1).